The following is an entry in ClinVar:

ClinVar aggregate classification (germline): Pathogenic (1 of 4 stars; one submission).

Conditions:
Cockayne syndrome type 1. Also called: Cockayne syndrome type I; Cockayne syndrome classical; Cockayne syndrome classic form. Identifiers: Orphanet 191, Orphanet 90321, MedGen C0751039, MONDO:0019569, OMIM 216400.

Submission:

Myriad Genetics, Inc.
Classification: Pathogenic for Cockayne syndrome type 1. Last evaluated: 2025-10-11. Review status: criteria provided, single submitter. Criteria: Myriad Autosomal Dominant, Autosomal Recessive and X-Linked Classification Criteria (2023). Collection method: clinical testing. Allele origin: unknown.
Comment: NM_000082.3(ERCC8):c.211delT(Y71Mfs*54) is expected to be pathogenic in the context of ERCC8-related disorders. This variant is predicted to lead to an abnormal or absent protein product due to the creation of a premature termination codon in ERCC8, a gene where loss-of-function variants are known to be pathogenic. Please note: this variant was assessed in the context of healthy population screening.

NM_000082.4(ERCC8):c.211del (p.Tyr71fs)

Gene: ERCC8 (ERCC excision repair 8, CSA ubiquitin ligase complex subunit; minus strand). Cytogenetic location: 5q12.1.
Variant type: Deletion.
Coding change: c.211del on transcript NM_000082.4 (MANE Select); coding-DNA position 211, one base deleted (T; older notation c.211delT).
Protein change: p.Tyr71fs; shifts the reading frame from tyrosine 71.
Molecular consequence: frameshift variant. On other transcripts: 5 prime UTR variant (1).
Genome position (GRCh38, 1-based): chr5:60,922,118, A deleted on the plus strand (T on the coding strand, the reverse complement: ERCC8 is on the minus strand); the first of 3 consecutive A bases (chr5:60,922,118-60,922,120); deleting any one gives the same sequence. VCF-style (leftmost placement, unchanged base first): chr5-60922117-TA-T. GRCh37 (hg19) VCF-style: chr5-60217944-TA-T.
Other names: c.37del, p.Tyr13fs (NM_001007233.3); c.211del, p.Tyr71fs (NM_001007234.3); c.-167del (NM_001290285.2); short protein forms Y13fs, Y71fs.
Identifiers: ClinVar variation 5015076 (VCV005015076.1).